The following is an entry in ClinVar:

ClinVar aggregate classification (germline): Likely benign. Review status: criteria provided, single submitter (1 of 4 stars). 2 submissions from 2 submitters: Likely benign (1). 1 of the submissions does not count toward it. Last evaluated 2023-06-06.

Conditions:
Inborn genetic diseases. Identifiers: MedGen C0950123, MeSH D030342.
ZNF292-related disorder. Also called: ZNF292-related condition.

Allele frequency attached by ClinVar (database versions not stated): ExAC 0.00003; gnomAD exomes 0.00003; gnomAD 0.00005; TOPMed 0.00005; ESP Exome Variant Server 0.00008.
gnomAD v4.1: 53 of 1,613,756 alleles (0.0033%); highest among the groups gnomAD compares: Middle Eastern, 0.033%; no homozygotes.

Submissions (2):

Ambry Genetics
Classification: Likely benign for Inborn genetic diseases. Last evaluated: 2023-06-06. Review status: criteria provided, single submitter. Criteria: Ambry Variant Classification Scheme 2023. Collection method: clinical testing. Allele origin: germline.

PreventionGenetics, part of Exact Sciences
Classification: Likely benign for ZNF292-related condition. Last evaluated: 2023-11-22. Review status: no assertion criteria provided. Collection method: clinical testing. Allele origin: germline. Not counted in ClinVar's aggregate classification.
Comment: This variant is classified as likely benign based on ACMG/AMP sequence variant interpretation guidelines (Richards et al. 2015 PMID: 25741868, with internal and published modifications).

NM_015021.3(ZNF292):c.4121A>G (p.Lys1374Arg)

Gene: ZNF292 (zinc finger protein 292; plus strand). Cytogenetic location: 6q14.3.
Variant type: single nucleotide variant.
Coding change: c.4121A>G on transcript NM_015021.3 (MANE Select); coding-DNA position 4121, A replaced by G.
Protein change: p.Lys1374Arg; replaces lysine 1374 with arginine.
Molecular consequence: missense variant.
Genome position (GRCh38, 1-based): chr6:87,257,750, A>G. VCF-style: chr6-87257750-A-G. GRCh37 (hg19) VCF-style: chr6-87967468-A-G.
Other names: c.3701A>G, p.Lys1234Arg (NM_001351444.2); short protein forms K1234R, K1374R.
Identifiers: ClinVar variation 2518980 (VCV002518980.4), dbSNP rs372403059, ClinGen allele CA3914242.